The following is an entry in ClinVar:

ClinVar aggregate classification (germline): Uncertain significance (1 of 4 stars; one submission).

Conditions:
Lower motor neuron syndrome with late-adult onset (SMAJ). Also called: Late-Onset Spinal Motor Neuronopathy (SMAJ); Spinal muscular atrophy, Jokela type. Identifiers: Orphanet 276435, MedGen C3554398, MONDO:0014025, OMIM 615048.
Frontotemporal dementia and/or amyotrophic lateral sclerosis 2. Also called: FTDALS2. Identifiers: Orphanet 275872, MedGen C4014648, MONDO:0014395, OMIM 615911.
Autosomal dominant mitochondrial myopathy with exercise intolerance (IMMD). Also called: Myopathy, isolated mitochondrial, autosomal dominant. Identifiers: Orphanet 457050, MedGen C4015513, MONDO:0014532, OMIM 616209.

Allele frequency attached by ClinVar (database versions not stated): gnomAD 0.00001; TOPMed 0.00001.
gnomAD v4.1: 4 of 1,611,030 alleles (0.00025%); highest among the groups gnomAD compares: Non-Finnish European, 0.00034%; no homozygotes.

Submission:

Labcorp Genetics (formerly Invitae), Labcorp
Classification: Uncertain significance for Lower motor neuron syndrome with late-adult onset; Frontotemporal dementia and/or amyotrophic lateral sclerosis 2; Autosomal dominant mitochondrial myopathy with exercise intolerance. Last evaluated: 2022-02-10. Review status: criteria provided, single submitter. Criteria: Invitae Variant Classification Sherloc (09022015). Collection method: clinical testing. Allele origin: germline.
Comment: This variant has not been reported in the literature in individuals affected with CHCHD10-related conditions. ClinVar contains an entry for this variant (Variation ID: 951138). Algorithms developed to predict the effect of missense changes on protein structure and function are either unavailable or do not agree on the potential impact of this missense change (SIFT: "Deleterious"; PolyPhen-2: "Probably Damaging"; Align-GVGD: "Class C0"). In summary, the available evidence is currently insufficient to determine the role of this variant in disease. Therefore, it has been classified as a Variant of Uncertain Significance. This sequence change replaces aspartic acid, which is acidic and polar, with glutamic acid, which is acidic and polar, at codon 118 of the CHCHD10 protein (p.Asp118Glu). This variant is not present in population databases (gnomAD no frequency).

NM_213720.3(CHCHD10):c.354C>A (p.Asp118Glu)

Gene: CHCHD10 (coiled-coil-helix-coiled-coil-helix domain containing 10; minus strand). Cytogenetic location: 22q11.23.
Variant type: single nucleotide variant.
Coding change: c.354C>A on transcript NM_213720.3 (MANE Select); coding-DNA position 354, C replaced by A.
Protein change: p.Asp118Glu; replaces aspartic acid 118 with glutamic acid.
Molecular consequence: missense variant. On other transcripts: non-coding transcript variant (2).
Genome position (GRCh38, 1-based): chr22:23,766,183, G>T on the plus strand (C>A on the coding strand, the complement: CHCHD10 is on the minus strand). VCF-style: chr22-23766183-G-T. GRCh37 (hg19) VCF-style: chr22-24108370-G-T.
Other names: c.375C>A, p.Asp125Glu (NM_001301339.2); short protein forms D118E, D125E.
Identifiers: ClinVar variation 951138 (VCV000951138.9), dbSNP rs780959799, ClinGen allele CA410914562.
Genomic context (GRCh38, chr22:23,766,183, plus strand): 5'-CTCACCATGGTAGTACTTGCACTGCTTCAGGGCCTCGCTGAAGCCCTCACACAGGGACAG[G>T]TCACTCTGAGTGGTGGAACAGTCCAGGAACTGCCTGATCTCGTAGGCGCAGGGCCCCATC-3'
Protein context (NP_998885.1, residues 108-128): QFLDCSTTQS[Asp118Glu]LSLCEGFSEA